The following is an entry in ClinVar:

NM_001077653.2(TBX20):c.1136T>C (p.Ile379Thr)

Gene: TBX20 (T-box transcription factor 20; minus strand). Cytogenetic location: 7p14.2.
Variant type: single nucleotide variant.
Coding change: c.1136T>C on transcript NM_001077653.2 (MANE Select); coding-DNA position 1136, T replaced by C.
Protein change: p.Ile379Thr; replaces isoleucine 379 with threonine.
Molecular consequence: missense variant.
Genome position (GRCh38, 1-based): chr7:35,202,638, A>G on the plus strand (T>C on the coding strand, the complement: TBX20 is on the minus strand). VCF-style: chr7-35202638-A-G. GRCh37 (hg19) VCF-style: chr7-35242250-A-G.
Other names: p.Ile379Thr; short protein forms I379T.
Identifiers: ClinVar variation 1379501 (VCV001379501.11), dbSNP rs1236811449, ClinGen allele CA367263139.

ClinVar aggregate classification (germline): Uncertain significance. Review status: criteria provided, multiple submitters, no conflicts (2 of 4 stars). 5 submissions from 5 submitters: Uncertain significance (5). Last evaluated 2026-01-06.

Conditions:
Cardiovascular phenotype. Identifiers: MedGen CN230736.
TBX20-related disorder. Also called: TBX20-related condition.

Allele frequency attached by ClinVar (database versions not stated): gnomAD exomes below 0.00001 and 0.00001; gnomAD 0.00006 and 0.00007; TOPMed 0.00006.
gnomAD v4.1: 25 of 1,613,774 alleles (0.0015%); highest among the groups gnomAD compares: Admixed American, 0.0067%; no homozygotes.

Submissions (5):

Labcorp Genetics (formerly Invitae), Labcorp
Classification: Uncertain significance. Last evaluated: 2026-01-06. Review status: criteria provided, single submitter. Criteria: Invitae Variant Classification Sherloc (09022015). Collection method: clinical testing. Allele origin: germline.
Comment: This sequence change replaces isoleucine, which is neutral and non-polar, with threonine, which is neutral and polar, at codon 379 of the TBX20 protein (p.Ile379Thr). The frequency data for this variant in the population databases is considered unreliable, as metrics indicate poor data quality at this position in the gnomAD database. This variant has not been reported in the literature in individuals affected with TBX20-related conditions. ClinVar contains an entry for this variant (Variation ID: 1379501). Invitae Evidence Modeling of protein sequence and biophysical properties (such as structural, functional, and spatial information, amino acid conservation, physicochemical variation, residue mobility, and thermodynamic stability) indicates that this missense variant is not expected to disrupt TBX20 protein function with a negative predictive value of 80%. In summary, the available evidence is currently insufficient to determine the role of this variant in disease. Therefore, it has been classified as a Variant of Uncertain Significance.

Mayo Clinic Laboratories, Mayo Clinic
Classification: Uncertain significance. Last evaluated: 2025-12-13. Review status: criteria provided, single submitter. Criteria: ACMG Guidelines, 2015. Collection method: clinical testing. Allele origin: germline. Observed: 1 variant allele.
Comment: PM2_supporting

PreventionGenetics, part of Exact Sciences
Classification: Uncertain significance for TBX20-related condition. Last evaluated: 2025-08-13. Review status: criteria provided, single submitter. Criteria: ACMG Guidelines, 2015. Collection method: clinical testing. Allele origin: germline.
Comment: The TBX20 c.1136T>C variant is predicted to result in the amino acid substitution p.Ile379Thr. This variant has been reported in an individual with heart block (Table S5, Li et al. 2017. PubMed ID: 29089047). This variant is reported in 0.0041% of alleles in individuals of African descent in gnomAD. At this time, the clinical significance of this variant is uncertain due to the absence of conclusive functional and genetic evidence.

Ambry Genetics
Classification: Uncertain significance for Cardiovascular phenotype. Last evaluated: 2024-03-06. Review status: criteria provided, single submitter. Criteria: Ambry Variant Classification Scheme 2023. Collection method: clinical testing. Allele origin: germline.
Comment: The p.I379T variant (also known as c.1136T>C), located in coding exon 8 of the TBX20 gene, results from a T to C substitution at nucleotide position 1136. The isoleucine at codon 379 is replaced by threonine, an amino acid with similar properties. This alteration was identified in a cohort of individuals undergoing whole exome sequencing for diverse clinical indications (Li AH et al. Genome Med, 2017 10;9:95). This amino acid position is well conserved in available vertebrate species. In addition, the in silico prediction for this alteration is inconclusive. Since supporting evidence is limited at this time, the clinical significance of this alteration remains unclear.

Breakthrough Genomics
Classification: Uncertain significance. Review status: criteria provided, single submitter. Criteria: ACMG Guidelines, 2015. Collection method: not provided. Allele origin: germline. Inheritance: Unknown mechanism. Affected: yes.

Literature cited by the submitters: PubMed 29089047 (cited by Mayo Clinic Laboratories, Mayo Clinic and Ambry Genetics).